The following is an entry in ClinVar:

NM_000238.4(KCNH2):c.2222A>G (p.Lys741Arg)

Gene: KCNH2 (potassium voltage-gated channel subfamily H member 2; minus strand). Cytogenetic location: 7q36.1.
Variant type: single nucleotide variant.
Coding change: c.2222A>G on transcript NM_000238.4 (MANE Select); coding-DNA position 2222, A replaced by G.
Protein change: p.Lys741Arg; replaces lysine 741 with arginine.
Molecular consequence: missense variant.
Genome position (GRCh38, 1-based): chr7:150,950,344, T>C on the plus strand (A>G on the coding strand, the complement: KCNH2 is on the minus strand). VCF-style: chr7-150950344-T-C. GRCh37 (hg19) VCF-style: chr7-150647432-T-C.
Other names: c.1202A>G, p.Lys401Arg (NM_001204798.2, NM_172057.3); c.1934A>G, p.Lys645Arg (NM_001406753.1, NM_001406756.1); c.2045A>G, p.Lys682Arg (NM_001406755.1); c.1922A>G, p.Lys641Arg (NM_001406757.1); c.2222A>G, p.Lys741Arg (NM_172056.3); short protein forms K401R, K741R, K641R, K682R, K645R.
Identifiers: ClinVar variation 566154 (VCV000566154.13), dbSNP rs538224282, ClinGen allele CA169075873.

ClinVar aggregate classification (germline): Uncertain significance. Review status: criteria provided, multiple submitters, no conflicts (2 of 4 stars). 5 submissions from 5 submitters: Uncertain significance (5). Last evaluated 2025-10-07.

Conditions:
Cardiovascular phenotype. Identifiers: MedGen CN230736.
Cardiac arrhythmia. Also called: Arrhythmia; Cardiac rhythm disease. Identifiers: MedGen C0003811, MONDO:0007263, HP:0011675.
Long QT syndrome (LQTS). Identifiers: MedGen C0023976, MeSH D008133, MONDO:0002442. Disease mechanism: loss of function. Inheritance: Various modes of inheritance.

Allele frequency attached by ClinVar (database versions not stated): gnomAD exomes below 0.00001 and 0.00001; gnomAD 0.00001 and 0.00003; TOPMed 0.00002.
gnomAD v4.1: 7 of 1,613,026 alleles (0.00043%); highest among the groups gnomAD compares: Admixed American, 0.01%; no homozygotes.

Submissions (5):

Color Diagnostics, LLC DBA Color Health
Classification: Uncertain significance for Cardiac arrhythmia. Last evaluated: 2025-10-07. Review status: criteria provided, single submitter. Criteria: ACMG Guidelines, 2015. Collection method: clinical testing. Allele origin: germline.
Comment: This missense variant replaces lysine with arginine at codon 741 of the KCNH2 protein. Computational prediction is inconclusive regarding the impact of this variant on protein structure and function. To our knowledge, functional studies have not been reported for this variant. This variant has not been reported in individuals affected with KCNH2-related disorders in the literature. This variant has been identified in 1/249840 chromosomes in the general population by the Genome Aggregation Database (gnomAD). The available evidence is insufficient to determine the role of this variant in disease conclusively. Therefore, this variant is classified as a Variant of Uncertain Significance.

Labcorp Genetics (formerly Invitae), Labcorp
Classification: Uncertain significance for Long QT syndrome. Last evaluated: 2024-05-22. Review status: criteria provided, single submitter. Criteria: Invitae Variant Classification Sherloc (09022015). Collection method: clinical testing. Allele origin: germline.
Comment: This sequence change replaces lysine, which is basic and polar, with arginine, which is basic and polar, at codon 741 of the KCNH2 protein (p.Lys741Arg). This variant is present in population databases (rs538224282, gnomAD 0.003%). This variant has not been reported in the literature in individuals affected with KCNH2-related conditions. ClinVar contains an entry for this variant (Variation ID: 566154). An algorithm developed to predict the effect of missense changes on protein structure and function (PolyPhen-2) suggests that this variant is likely to be tolerated. In summary, the available evidence is currently insufficient to determine the role of this variant in disease. Therefore, it has been classified as a Variant of Uncertain Significance.

Ambry Genetics
Classification: Uncertain significance for Cardiovascular phenotype. Last evaluated: 2023-10-04. Review status: criteria provided, single submitter. Criteria: Ambry Variant Classification Scheme 2023. Collection method: clinical testing. Allele origin: germline.
Comment: The p.K741R variant (also known as c.2222A>G), located in coding exon 9 of the KCNH2 gene, results from an A to G substitution at nucleotide position 2222. The lysine at codon 741 is replaced by arginine, an amino acid with highly similar properties. This amino acid position is highly conserved in available vertebrate species. In addition, this alteration is predicted to be deleterious by in silico analysis. Since supporting evidence is limited at this time, the clinical significance of this alteration remains unclear.

All of Us Research Program, National Institutes of Health
Classification: Uncertain significance for Long QT syndrome. Last evaluated: 2023-02-24. Review status: criteria provided, single submitter. Criteria: ACMG Guidelines, 2015. Collection method: clinical testing. Allele origin: germline. Inheritance: Autosomal dominant inheritance. Observed: 1 variant allele, 1 heterozygote.
Comment: This missense variant replaces lysine with arginine at codon 741 of the KCNH2 protein. Computational prediction is inconclusive regarding the impact of this variant on protein structure and function (internally defined REVEL score threshold 0.5 < inconclusive < 0.7, PMID: 27666373). To our knowledge, functional studies have not been reported for this variant. This variant has not been reported in individuals affected with KCNH2-related disorders in the literature. This variant has been identified in 1/249840 chromosomes in the general population by the Genome Aggregation Database (gnomAD). The available evidence is insufficient to determine the role of this variant in disease conclusively. Therefore, this variant is classified as a Variant of Uncertain Significance.

This study involves interpretation of variants in research participants for the purpose of population health screening. Participant phenotype was not available at the time of variant classification. Additional details can be found in publication PMID: 35346344, PMCID: PMC8962531

GeneDx
Classification: Uncertain significance. Last evaluated: 2021-12-23. Review status: criteria provided, single submitter. Criteria: GeneDx Variant Classification Process June 2021. Collection method: clinical testing. Allele origin: germline. Affected: yes.
Comment: Has not been previously published as pathogenic or benign to our knowledge; Not observed at significant frequency in large population cohorts (gnomAD); In silico analysis supports that this missense variant does not alter protein structure/function; Reported in ClinVar as a variant of uncertain significance (ClinVar Variant ID# 566154)